The following is an entry in ClinVar:

ClinVar aggregate classification (germline): Uncertain significance (1 of 4 stars; one submission).

Conditions:
Hereditary cancer-predisposing syndrome. Also called: Tumor predisposition; Neoplastic Syndromes, Hereditary; Hereditary Cancer Syndrome; Hereditary neoplastic syndrome. Identifiers: Orphanet 140162, MedGen C0027672, MeSH D009386, MONDO:0015356.

Submission:

Ambry Genetics
Classification: Uncertain significance for Hereditary cancer-predisposing syndrome. Last evaluated: 2024-09-15. Review status: criteria provided, single submitter. Criteria: Ambry Variant Classification Scheme 2023. Collection method: clinical testing. Allele origin: germline.
Comment: The p.E497V variant (also known as c.1490A>T), located in coding exon 8 of the DICER1 gene, results from an A to T substitution at nucleotide position 1490. The glutamic acid at codon 497 is replaced by valine, an amino acid with dissimilar properties. This amino acid position is conserved. In addition, this alteration is predicted to be deleterious by in silico analysis. Based on the available evidence, the clinical significance of this variant remains unclear.

NM_177438.3(DICER1):c.1490A>T (p.Glu497Val)

Gene: DICER1 (dicer 1, ribonuclease III; minus strand). Cytogenetic location: 14q32.13.
Variant type: single nucleotide variant.
Coding change: c.1490A>T on transcript NM_177438.3 (MANE Select); coding-DNA position 1490, A replaced by T.
Protein change: p.Glu497Val; replaces glutamic acid 497 with valine.
Molecular consequence: missense variant. On other transcripts: non-coding transcript variant (6), 5 prime UTR variant (1).
Genome position (GRCh38, 1-based): chr14:95,117,641, T>A on the plus strand (A>T on the coding strand, the complement: DICER1 is on the minus strand). VCF-style: chr14-95117641-T-A. GRCh37 (hg19) VCF-style: chr14-95583978-T-A.
Other names: c.1490A>T, p.Glu497Val (NM_030621.4, NM_001195573.1, NM_001271282.3 and 12 more transcripts); c.1208A>T, p.Glu403Val (NM_001395686.1); c.1085A>T, p.Glu362Val (NM_001395687.1, NM_001395688.1, NM_001395689.1 and 3 more transcripts); c.923A>T, p.Glu308Val (NM_001395691.1); c.-79A>T (NM_001395697.1); short protein forms E308V, E403V, E362V, E497V.
Identifiers: ClinVar variation 3501905 (VCV003501905.1).